The following is an entry in ClinVar:

NM_004304.5(ALK):c.1905C>A (p.Tyr635Ter)

Gene: ALK (ALK receptor tyrosine kinase; minus strand). Cytogenetic location: 2p23.2.
Variant type: single nucleotide variant.
Coding change: c.1905C>A on transcript NM_004304.5 (MANE Select); coding-DNA position 1905, C replaced by A.
Protein change: p.Tyr635Ter; replaces tyrosine 635 with a stop codon.
Molecular consequence: nonsense.
Genome position (GRCh38, 1-based): chr2:29,275,409, G>T on the plus strand (C>A on the coding strand, the complement: ALK is on the minus strand). VCF-style: chr2-29275409-G-T. GRCh37 (hg19) VCF-style: chr2-29498275-G-T.
Other names: short protein forms Y635*.
Identifiers: ClinVar variation 4753687 (VCV004753687.1).

ClinVar aggregate classification (germline): Uncertain significance (1 of 4 stars; one submission).

Conditions:
Neuroblastoma, susceptibility to, 3. Also called: ALK-Related Neuroblastic Tumor Susceptibility. Identifiers: Orphanet 635, MedGen C2751681, MONDO:0013083, OMIM 613014.

gnomAD v4.1: 1 of 1,614,086 alleles (0.000062%); highest among the groups gnomAD compares: Non-Finnish European, 0.000085%; no homozygotes.

Submission:

Labcorp Genetics (formerly Invitae), Labcorp
Classification: Uncertain significance for Neuroblastoma, susceptibility to, 3. Last evaluated: 2025-08-11. Review status: criteria provided, single submitter. Criteria: Invitae Variant Classification Sherloc (09022015). Collection method: clinical testing. Allele origin: germline.
Comment: This sequence change creates a premature translational stop signal (p.Tyr635*) in the ALK gene. It is expected to result in an absent or disrupted protein product. However, the current clinical and genetic evidence is not sufficient to establish whether loss-of-function variants in ALK cause disease. This variant is not present in population databases (gnomAD no frequency). This variant has not been reported in the literature in individuals affected with ALK-related conditions. In summary, the available evidence is currently insufficient to determine the role of this variant in disease. Therefore, it has been classified as a Variant of Uncertain Significance.